The following is an entry in ClinVar:

NM_133433.4(NIPBL):c.5241T>A (p.Thr1747=)

Gene: NIPBL (NIPBL cohesin loading factor; plus strand). Cytogenetic location: 5p13.2.
Variant type: single nucleotide variant.
Coding change: c.5241T>A on transcript NM_133433.4 (MANE Select); coding-DNA position 5241, T replaced by A.
Protein change: p.Thr1747=; no amino-acid change (threonine 1747 retained).
Molecular consequence: synonymous variant.
Genome position (GRCh38, 1-based): chr5:37,020,790, T>A. VCF-style: chr5-37020790-T-A. GRCh37 (hg19) VCF-style: chr5-37020892-T-A.
Other names: c.5241T>A, p.Thr1747= (NM_015384.5).
Identifiers: ClinVar variation 3771413 (VCV003771413.14).

ClinVar aggregate classification (germline): Likely benign. Review status: criteria provided, multiple submitters, no conflicts (2 of 4 stars). 2 submissions from 2 submitters: Likely benign (2). Last evaluated 2024-12-01.

gnomAD v4.1: 4 of 1,614,092 alleles (0.00025%); highest among the groups gnomAD compares: Middle Eastern, 0.016%; no homozygotes.

Submissions (2):

CeGaT Center for Human Genetics Tuebingen
Classification: Likely benign. Last evaluated: 2024-12-01. Review status: criteria provided, single submitter. Criteria: CeGaT Center For Human Genetics Tuebingen Variant Classification Criteria Version 2. Collection method: clinical testing. Allele origin: germline. Affected: yes. Observed: 1 variant allele.
Comment: NIPBL: BP4, BP7

Blueprint Genetics
Classification: Likely benign. Last evaluated: 2023-02-13. Review status: criteria provided, single submitter. Criteria: ACMG Guidelines, 2015. Collection method: clinical testing. Allele origin: germline.